The following is an entry in ClinVar:

ClinVar aggregate classification (germline): Uncertain significance. Review status: criteria provided, multiple submitters, no conflicts (2 of 4 stars). 2 submissions from 2 submitters: Uncertain significance (2). Last evaluated 2021-12-14.

Conditions:
Polydactyly, postaxial, type A1. Identifiers: MedGen C4282400, MONDO:0008266, OMIM 174200.
Pallister-Hall syndrome (PHS). Also called: HYPOTHALAMIC HAMARTOBLASTOMA, HYPOPITUITARISM, IMPERFORATE ANUS, AND POSTAXIAL POLYDACTYLY; GLI3-Related Pallister-Hall Syndrome. Identifiers: Orphanet 672, MedGen C0265220, MONDO:0007804, OMIM 146510.
Greig cephalopolysyndactyly syndrome (GCPS). Also called: POLYSYNDACTYLY WITH PECULIAR SKULL SHAPE; GLI3-Related Greig Cephalopolysyndactyly Syndrome; Greig syndrome. Identifiers: Orphanet 380, MedGen C0265306, MONDO:0008287, OMIM 175700.
Polysyndactyly 4. Also called: Polysyndactyly uncomplicated; Preaxial polydactyly 4. Identifiers: Orphanet 93338, MedGen C1868111, MONDO:0008272, OMIM 174700.

Allele frequency attached by ClinVar (database versions not stated): gnomAD exomes 0.00001.
gnomAD v4.1: 5 of 1,614,172 alleles (0.00031%); highest among the groups gnomAD compares: Non-Finnish European, 0.00042%; no homozygotes.

Submissions (2):

Fulgent Genetics
Classification: Uncertain significance for Pallister-Hall syndrome; Polydactyly, postaxial, type A1; Polysyndactyly 4; Greig cephalopolysyndactyly syndrome. Last evaluated: 2021-12-14. Review status: criteria provided, single submitter. Criteria: ACMG Guidelines, 2015. Collection method: clinical testing. Allele origin: unknown.

Labcorp Genetics (formerly Invitae), Labcorp
Classification: Uncertain significance for Pallister-Hall syndrome; Greig cephalopolysyndactyly syndrome. Last evaluated: 2019-07-17. Review status: criteria provided, single submitter. Criteria: Invitae Variant Classification Sherloc (09022015). Collection method: clinical testing. Allele origin: germline.
Comment: This sequence change replaces histidine with asparagine at codon 1533 of the GLI3 protein (p.His1533Asn). The histidine residue is moderately conserved and there is a small physicochemical difference between histidine and asparagine. This variant is not present in population databases (ExAC no frequency). This variant has not been reported in the literature in individuals with GLI3-related conditions. Algorithms developed to predict the effect of missense changes on protein structure and function (SIFT, PolyPhen-2, Align-GVGD) all suggest that this variant is likely to be tolerated, but these predictions have not been confirmed by published functional studies and their clinical significance is uncertain. In summary, the available evidence is currently insufficient to determine the role of this variant in disease. Therefore, it has been classified as a Variant of Uncertain Significance.

NM_000168.6(GLI3):c.4597C>A (p.His1533Asn)

Gene: GLI3 (GLI family zinc finger 3; minus strand). Cytogenetic location: 7p14.1.
Variant type: single nucleotide variant.
Coding change: c.4597C>A on transcript NM_000168.6 (MANE Select); coding-DNA position 4597, C replaced by A.
Protein change: p.His1533Asn; replaces histidine 1533 with asparagine.
Molecular consequence: missense variant.
Genome position (GRCh38, 1-based): chr7:41,964,476, G>T on the plus strand (C>A on the coding strand, the complement: GLI3 is on the minus strand). VCF-style: chr7-41964476-G-T. GRCh37 (hg19) VCF-style: chr7-42004074-G-T.
Other names: short protein forms H1533N.
Identifiers: ClinVar variation 941293 (VCV000941293.11), dbSNP rs1787103191, ClinGen allele CA367314685.